The following is an entry in ClinVar:

ClinVar aggregate classification (germline): Uncertain significance (1 of 4 stars; one submission).

Conditions:
Inborn genetic diseases. Identifiers: MedGen C0950123, MeSH D030342.

Submission:

Ambry Genetics
Classification: Uncertain significance for Inborn genetic diseases. Last evaluated: 2026-02-28. Review status: criteria provided, single submitter. Criteria: Ambry Variant Classification Scheme 2023. Collection method: clinical testing. Allele origin: germline.
Comment: The p.M764K variant (also known as c.2291T>A), located in coding exon 13 of the FANCM gene, results from a T to A substitution at nucleotide position 2291. The methionine at codon 764 is replaced by lysine, an amino acid with similar properties. This amino acid position is conserved. In addition, the in silico prediction for this alteration is inconclusive. Based on the available evidence, the clinical significance of this variant remains unclear.

NM_020937.4(FANCM):c.2291T>A (p.Met764Lys)

Gene: FANCM (FA complementation group M; plus strand). Cytogenetic location: 14q21.2.
Variant type: single nucleotide variant.
Coding change: c.2291T>A on transcript NM_020937.4 (MANE Select); coding-DNA position 2291, T replaced by A.
Protein change: p.Met764Lys; replaces methionine 764 with lysine.
Molecular consequence: missense variant.
Genome position (GRCh38, 1-based): chr14:45,173,185, T>A. VCF-style: chr14-45173185-T-A. GRCh37 (hg19) VCF-style: chr14-45642388-T-A.
Other names: c.2213T>A, p.Met738Lys (NM_001308133.2); short protein forms M764K, M738K.
Identifiers: ClinVar variation 4826002 (VCV004826002.1).